The following is an entry in ClinVar:

ClinVar aggregate classification (germline): Pathogenic (1 of 4 stars; one submission).

Conditions:
Hereditary breast ovarian cancer syndrome. Also called: Hereditary breast and ovarian cancer syndrome; Breast and ovarian cancer; Hereditary breast and ovarian cancer; Hereditary breast and/or ovarian cancer syndrome; Hereditary breast and ovarian cancer syndrome (HBOC); BRCA1- and BRCA2-Associated Hereditary Breast and Ovarian Cancer. Identifiers: Orphanet 145, MedGen C0677776, MeSH D061325, MONDO:0003582. Disease mechanism: loss of function.

Submission:

Women's Health and Genetics/Laboratory Corporation of America, LabCorp
Classification: Pathogenic for Hereditary breast ovarian cancer syndrome. Last evaluated: 2022-05-06. Review status: criteria provided, single submitter. Criteria: LabCorp Variant Classification Summary - May 2015. Collection method: clinical testing. Allele origin: germline.
Comment: Variant summary: The variant identified by MLPA or other technology involves the deletion of exons 1-2 in the BRCA1 gene, including the initiation codon. A presumed nomenclature of c.(?_-233)_(80+1_81-1)del has been designated for the purposes of this classification. The variant was absent in 21694 control chromosomes (gnomAD, Structural Variants dataset). Deletion of BRCA1 exons 1-2 has been reported in the literature in multiple individuals affected with Hereditary Breast And Ovarian Cancer Syndrome (e.g. Hartmann_2004, Veschi_2007, Engerg_2008, del Valle_2010). These data indicate that the variant is very likely to be associated with disease. One ClinVar submitter has assessed the loss of BRCA1 exons 1-2 since 2014: the variant was classified as pathogenic. Based on the evidence outlined above, the variant was classified as pathogenic.

Literature cited by the submitters: PubMed 17591842; PubMed 18431737; PubMed 19894111; PubMed 22544547; PubMed 19405878; PubMed 15532023.

NC_000017.10:g.(41267797_41276033)_(41277501_?)del

Gene: BRCA1 (BRCA1 DNA repair associated; minus strand). Cytogenetic location: 17q21.31.
Variant type: Deletion.
Identifiers: ClinVar variation 1696294 (VCV001696294.1).